The following is an entry in ClinVar:

ClinVar aggregate classification (germline): Uncertain significance. Review status: criteria provided, multiple submitters, no conflicts (2 of 4 stars). 2 submissions from 2 submitters: Uncertain significance (2). Last evaluated 2024-12-22.

Conditions:
Hereditary cancer-predisposing syndrome. Also called: Neoplastic Syndromes, Hereditary; Hereditary Cancer Syndrome; Tumor predisposition; Hereditary neoplastic syndrome. Identifiers: Orphanet 140162, MedGen C0027672, MeSH D009386, MONDO:0015356.
Neuroblastoma, susceptibility to, 3. Also called: ALK-Related Neuroblastic Tumor Susceptibility. Identifiers: Orphanet 635, MedGen C2751681, MONDO:0013083, OMIM 613014.

Submissions (2):

Ambry Genetics
Classification: Uncertain significance for Hereditary cancer-predisposing syndrome. Last evaluated: 2024-12-22. Review status: criteria provided, single submitter. Criteria: Ambry Variant Classification Scheme 2023. Collection method: clinical testing. Allele origin: germline.
Comment: The p.V351A variant (also known as c.1052T>C), located in coding exon 4 of the ALK gene, results from a T to C substitution at nucleotide position 1052. The valine at codon 351 is replaced by alanine, an amino acid with similar properties. This amino acid position is conserved. In addition, this alteration is predicted to be tolerated by in silico analysis. Based on the available evidence, the clinical significance of this variant remains unclear.

Labcorp Genetics (formerly Invitae), Labcorp
Classification: Uncertain significance for Neuroblastoma, susceptibility to, 3. Last evaluated: 2021-06-05. Review status: criteria provided, single submitter. Criteria: Invitae Variant Classification Sherloc (09022015). Collection method: clinical testing. Allele origin: germline.
Comment: This sequence change replaces valine with alanine at codon 351 of the ALK protein (p.Val351Ala). The valine residue is moderately conserved and there is a small physicochemical difference between valine and alanine. This variant is not present in population databases (ExAC no frequency). This variant has not been reported in the literature in individuals with ALK-related conditions. Algorithms developed to predict the effect of missense changes on protein structure and function are either unavailable or do not agree on the potential impact of this missense change (SIFT: "Deleterious"; PolyPhen-2: "Probably Damaging"; Align-GVGD: "Class C0"). In summary, the available evidence is currently insufficient to determine the role of this variant in disease. Therefore, it has been classified as a Variant of Uncertain Significance.

NM_004304.5(ALK):c.1052T>C (p.Val351Ala)

Gene: ALK (ALK receptor tyrosine kinase; minus strand). Cytogenetic location: 2p23.2.
Variant type: single nucleotide variant.
Coding change: c.1052T>C on transcript NM_004304.5 (MANE Select); coding-DNA position 1052, T replaced by C.
Protein change: p.Val351Ala; replaces valine 351 with alanine.
Molecular consequence: missense variant.
Genome position (GRCh38, 1-based): chr2:29,532,017, A>G on the plus strand (T>C on the coding strand, the complement: ALK is on the minus strand). VCF-style: chr2-29532017-A-G. GRCh37 (hg19) VCF-style: chr2-29754883-A-G.
Other names: c.1052T>C (NM_004304.4); short protein forms V351A.
Identifiers: ClinVar variation 1471047 (VCV001471047.9), dbSNP rs1673133219, ClinGen allele CA346587378.